The following is an entry in ClinVar:

NM_001605.3(AARS1):c.1127A>G (p.Asn376Ser)

Gene: AARS1 (alanyl-tRNA synthetase 1; minus strand). Cytogenetic location: 16q22.1.
Variant type: single nucleotide variant.
Coding change: c.1127A>G on transcript NM_001605.3 (MANE Select); coding-DNA position 1127, A replaced by G.
Protein change: p.Asn376Ser; replaces asparagine 376 with serine.
Molecular consequence: missense variant.
Genome position (GRCh38, 1-based): chr16:70,267,754, T>C on the plus strand (A>G on the coding strand, the complement: AARS1 is on the minus strand). VCF-style: chr16-70267754-T-C. GRCh37 (hg19) VCF-style: chr16-70301657-T-C.
Other names: short protein forms N376S.
Identifiers: ClinVar variation 3701595 (VCV003701595.2).

ClinVar aggregate classification (germline): Uncertain significance (1 of 4 stars; one submission).

Conditions:
Charcot-Marie-Tooth disease type 2. Also called: Charcot-Marie-Tooth type 2. Identifiers: Orphanet 64746, MedGen C0270914, MONDO:0018993.

Submission:

Labcorp Genetics (formerly Invitae), Labcorp
Classification: Uncertain significance for Charcot-Marie-Tooth disease type 2. Last evaluated: 2024-07-30. Review status: criteria provided, single submitter. Criteria: Invitae Variant Classification Sherloc (09022015). Collection method: clinical testing. Allele origin: germline.
Comment: This sequence change replaces asparagine, which is neutral and polar, with serine, which is neutral and polar, at codon 376 of the AARS protein (p.Asn376Ser). This variant is not present in population databases (gnomAD no frequency). This variant has not been reported in the literature in individuals affected with AARS-related conditions. Advanced modeling of protein sequence and biophysical properties (such as structural, functional, and spatial information, amino acid conservation, physicochemical variation, residue mobility, and thermodynamic stability) performed at Invitae indicates that this missense variant is not expected to disrupt AARS protein function with a negative predictive value of 95%. In summary, the available evidence is currently insufficient to determine the role of this variant in disease. Therefore, it has been classified as a Variant of Uncertain Significance.